The following is an entry in ClinVar:

NM_001037.5(SCN1B):c.448+135G>T

Gene: SCN1B (sodium voltage-gated channel beta subunit 1; plus strand). Cytogenetic location: 19q13.11.
Variant type: single nucleotide variant.
Coding change: c.448+135G>T on transcript NM_001037.5 (MANE Select); 135 bases into the intron after coding-DNA position 448, G replaced by T.
Molecular consequence: intron variant. On other transcripts: nonsense (1).
Genome position (GRCh38, 1-based): chr19:35,033,874, G>T. VCF-style: chr19-35033874-G-T. GRCh37 (hg19) VCF-style: chr19-35524778-G-T.
Other names: c.583G>T, p.Glu195Ter (NM_199037.5); c.349+135G>T (NM_001321605.2); short protein forms E195*.
Identifiers: ClinVar variation 3012553 (VCV003012553.3), dbSNP rs945858287, ClinGen allele CA405329378.

ClinVar aggregate classification (germline): Uncertain significance (1 of 4 stars; one submission).

Conditions:
Brugada syndrome 5 (BRGDA5). Identifiers: Orphanet 130, Orphanet 871, MedGen C2748541, MONDO:0013015, OMIM 612838.

Allele frequency attached by ClinVar (database versions not stated): gnomAD 0.00001.
gnomAD v4.1: 4 of 1,605,098 alleles (0.00025%); highest among the groups gnomAD compares: East Asian, 0.0022%; no homozygotes.

Submission:

Labcorp Genetics (formerly Invitae), Labcorp
Classification: Uncertain significance for Brugada syndrome 5. Last evaluated: 2025-05-13. Review status: criteria provided, single submitter. Criteria: Invitae Variant Classification Sherloc (09022015). Collection method: clinical testing. Allele origin: germline.
Comment: This sequence change creates a premature translational stop signal (p.Glu195*) in the SCN1B gene. While this is not anticipated to result in nonsense mediated decay, it is expected to disrupt the last 74 amino acid(s) of the SCN1B protein. This variant is present in population databases (no rsID available, gnomAD 0.001%). This variant has not been reported in the literature in individuals affected with SCN1B-related conditions. ClinVar contains an entry for this variant (Variation ID: 3012553). In summary, the available evidence is currently insufficient to determine the role of this variant in disease. Therefore, it has been classified as a Variant of Uncertain Significance.